The following is an entry in ClinVar:

NM_000135.4(FANCA):c.643T>A (p.Cys215Ser)

Gene: FANCA (FA complementation group A; minus strand). Cytogenetic location: 16q24.3.
Variant type: single nucleotide variant.
Coding change: c.643T>A on transcript NM_000135.4 (MANE Select); coding-DNA position 643, T replaced by A.
Protein change: p.Cys215Ser; replaces cysteine 215 with serine.
Molecular consequence: missense variant.
Genome position (GRCh38, 1-based): chr16:89,805,346, A>T on the plus strand (T>A on the coding strand, the complement: FANCA is on the minus strand). VCF-style: chr16-89805346-A-T. GRCh37 (hg19) VCF-style: chr16-89871754-A-T.
Other names: c.643T>A, p.Cys215Ser (NM_001018112.3, NM_001286167.3); c.547T>A, p.Cys183Ser (NM_001351830.2); c.643T>A (NM_000135.3); short protein forms C215S, C183S.
Identifiers: ClinVar variation 2075270 (VCV002075270.5), dbSNP rs766134850, ClinGen allele CA8252872.
Genomic context (GRCh38, chr16:89,805,346, plus strand): 5'-GCATGGCCCTGGCGACGTCAGCATGCTGGCAGGATGCTTCCATCTGTTCACAAAGGCAGC[A>T]CAGATTCCTGAAGAGCCACGATCCCACAGCATGCATGTCGGGATGGCTGGAGACACACAC-3'
Protein context (NP_000126.2, residues 205-225): AVGSWLFRNL[Cys215Ser]CLCEQMEASC

ClinVar aggregate classification (germline): Uncertain significance. Review status: criteria provided, multiple submitters, no conflicts (2 of 4 stars). 3 submissions from 3 submitters: Uncertain significance (3). Last evaluated 2025-05-11.

Conditions:
Inborn genetic diseases. Identifiers: MedGen C0950123, MeSH D030342.
Fanconi anemia (FA). Also called: Fanconi's anemia. Identifiers: Orphanet 84, MedGen C0015625, MeSH D005199, MONDO:0019391.

Allele frequency attached by ClinVar (database versions not stated): gnomAD exomes 0.00003; ExAC 0.00005.
gnomAD v4.1: 16 of 1,614,110 alleles (0.00099%); highest among the groups gnomAD compares: South Asian, 0.018%; no homozygotes.

Submissions (3):

Ambry Genetics
Classification: Uncertain significance for Inborn genetic diseases. Last evaluated: 2025-05-11. Review status: criteria provided, single submitter. Criteria: Ambry Variant Classification Scheme 2023. Collection method: clinical testing. Allele origin: germline.
Comment: The p.C215S variant (also known as c.643T>A), located in coding exon 7 of the FANCA gene, results from a T to A substitution at nucleotide position 643. The cysteine at codon 215 is replaced by serine, an amino acid with dissimilar properties. This amino acid position is conserved. In addition, this alteration is predicted to be tolerated by in silico analysis. Based on the available evidence, the clinical significance of this variant remains unclear.

Labcorp Genetics (formerly Invitae), Labcorp
Classification: Uncertain significance for Fanconi anemia. Last evaluated: 2024-11-02. Review status: criteria provided, single submitter. Criteria: Invitae Variant Classification Sherloc (09022015). Collection method: clinical testing. Allele origin: germline.
Comment: This sequence change replaces cysteine, which is neutral and slightly polar, with serine, which is neutral and polar, at codon 215 of the FANCA protein (p.Cys215Ser). This variant is present in population databases (rs766134850, gnomAD 0.02%). This variant has not been reported in the literature in individuals affected with FANCA-related conditions. ClinVar contains an entry for this variant (Variation ID: 2075270). Invitae Evidence Modeling of protein sequence and biophysical properties (such as structural, functional, and spatial information, amino acid conservation, physicochemical variation, residue mobility, and thermodynamic stability) indicates that this missense variant is not expected to disrupt FANCA protein function with a negative predictive value of 95%. In summary, the available evidence is currently insufficient to determine the role of this variant in disease. Therefore, it has been classified as a Variant of Uncertain Significance.

Quest Diagnostics Nichols Institute San Juan Capistrano
Classification: Uncertain significance. Last evaluated: 2023-02-01. Review status: criteria provided, single submitter. Criteria: Quest Diagnostics criteria. Collection method: clinical testing. Allele origin: unknown.
Comment: This variant has not been reported in the published literature. The frequency of this variant in the general population, 0.0002 (6/30610 chromosomes), is uninformative in assessment of its pathogenicity. Analysis of this variant using bioinformatics tools for the prediction of the effect of amino acid changes on protein structure and function yielded predictions that this variant is benign. Based on the available information, we are unable to determine the clinical significance of this variant.